The following is an entry in ClinVar:

NM_000492.4(CFTR):c.4312del (p.Arg1438fs)

Genes: CFTR (CF transmembrane conductance regulator; plus strand), LOC111674477 (CFTR intron 23 enhancer; plus strand). Cytogenetic location: 7q31.2.
Variant type: Deletion.
Coding change: c.4312del on transcript NM_000492.4 (MANE Select); coding-DNA position 4312, one base deleted (C; older notation c.4312delC).
Protein change: p.Arg1438fs; shifts the reading frame from arginine 1438.
Molecular consequence: frameshift variant.
Genome position (GRCh38, 1-based): chr7:117,666,977, C deleted; the last of 2 consecutive C bases (chr7:117,666,976-117,666,977); deleting either gives the same sequence. VCF-style (leftmost placement, unchanged base first): chr7-117666975-TC-T. GRCh37 (hg19) VCF-style: chr7-117307029-TC-T.
Other names: short protein forms R1438fs.
Identifiers: ClinVar variation 2507398 (VCV002507398.4), dbSNP rs2485185627, ClinGen allele CA2580614248.

ClinVar aggregate classification (germline): Likely pathogenic. Review status: criteria provided, multiple submitters, no conflicts (2 of 4 stars). 2 submissions from 2 submitters: Likely pathogenic (2). Last evaluated 2024-11-11.

Conditions:
Cystic fibrosis (CF). Also called: MUCOVISCIDOSIS. Identifiers: Orphanet 586, MedGen C0010674, MONDO:0009061, OMIM 219700. Disease mechanism: loss of function.
CFTR-related disorder (CFTR-RD). Also called: CFTR-related disorders; CFTR-related condition. Identifiers: MedGen C5924204, MONDO:7770004.

Submissions (2):

Natera, Inc.
Classification: Likely pathogenic for CFTR-related disorders. Last evaluated: 2024-11-11. Review status: criteria provided, single submitter. Criteria: Natera Variant Classification Schema (03/2026). Collection method: clinical testing. Allele origin: germline.
Comment: The c.4312delC variant in CFTR is a frameshift variant predicted to shift the reading frame beginning at codon 1438 and leads to a stop codon 10 codons downstream. This variant is expected to result in nonsense mediated decay, truncation, or a dysfunctional protein product. This variant is rare in the general population with a frequency below the threshold expected for the associated phenotype(s). This variant has been observed in one or more individuals affected with the associated recessive disease, as either homozygous or compound heterozygous with a second variant (PMID: 32687833). Given the available evidence, this variant is classified as Likely Pathogenic.

Intergen Genetics and Rare Diseases Diagnosis Center
Classification: Likely pathogenic for Cystic fibrosis. Last evaluated: 2023-07-04. Review status: criteria provided, single submitter. Criteria: ACMG Guidelines, 2015. Collection method: clinical testing. Allele origin: germline. Inheritance: Autosomal recessive inheritance. Affected: yes. Observed: 1 homozygote.

Literature cited by the submitters: PubMed 32687833 (cited by Natera, Inc.).